The following is an entry in ClinVar:

ClinVar aggregate classification (germline): Likely pathogenic (1 of 4 stars; one submission).

Conditions:
Cardiovascular phenotype. Identifiers: MedGen CN230736.

Submission:

Ambry Genetics
Classification: Likely pathogenic for Cardiovascular phenotype. Last evaluated: 2024-03-29. Review status: criteria provided, single submitter. Criteria: Ambry Variant Classification Scheme 2023. Collection method: clinical testing. Allele origin: germline.
Comment: The c.32943T>A (p.Y10981*) alteration, located in exon 131 (coding exon 130) of the TTN gene, consists of a T to A substitution at nucleotide position 32943. This changes the amino acid from a tyrosine (Y) to a stop codon at amino acid position 10981. This alteration is expected to result in loss of function by premature protein truncation or nonsense-mediated mRNA decay. This exon is located in the A-band region of the N2-B isoform of the titin protein and is constitutively expressed in TTN transcripts (percent spliced in or PSI 100%). This variant was not reported in population-based cohorts in the Genome Aggregation Database (gnomAD). Based on the available evidence, this alteration is classified as likely pathogenic.

NM_001267550.2(TTN):c.60138T>A (p.Tyr20046Ter)

Genes: TTN (titin; minus strand), TTN-AS1 (TTN antisense RNA 1; plus strand), LOC126806424 (CDK7 strongly-dependent group 2 enhancer GRCh37_chr2:179456337-179457536; plus strand). Cytogenetic location: 2q31.2.
Variant type: single nucleotide variant.
Coding change: c.60138T>A on transcript NM_001267550.2 (MANE Select); coding-DNA position 60138, T replaced by A.
Protein change: p.Tyr20046Ter; replaces tyrosine 20046 with a stop codon.
Molecular consequence: nonsense.
Genome position (GRCh38, 1-based): chr2:178,591,681, A>T on the plus strand (T>A on the coding strand, the complement: TTN is on the minus strand). VCF-style: chr2-178591681-A-T. GRCh37 (hg19) VCF-style: chr2-179456408-A-T.
Other names: c.55215T>A, p.Tyr18405Ter (NM_001256850.1); c.32943T>A, p.Tyr10981Ter (NM_003319.4); c.52434T>A, p.Tyr17478Ter (NM_133378.4); c.33318T>A, p.Tyr11106Ter (NM_133432.3); c.33519T>A, p.Tyr11173Ter (NM_133437.4); short protein forms Y11173*, Y20046*, Y10981*, Y17478*, Y11106*, Y18405*.
Identifiers: ClinVar variation 3330157 (VCV003330157.1).